The following is an entry in ClinVar:

NM_017807.4(OSGEP):c.236-8C>G

Genes: OSGEP (O-sialoglycoprotein endopeptidase; minus strand), LOC107372315 (OSGEP/APEX1 bi-directional promoter region; plus strand). Cytogenetic location: 14q11.2.
Variant type: single nucleotide variant.
Coding change: c.236-8C>G on transcript NM_017807.4 (MANE Select); 8 bases into the intron before coding-DNA position 236, C replaced by G.
Molecular consequence: intron variant.
Genome position (GRCh38, 1-based): chr14:20,452,157, G>C on the plus strand (C>G on the coding strand, the complement: OSGEP is on the minus strand). VCF-style: chr14-20452157-G-C. GRCh37 (hg19) VCF-style: chr14-20920316-G-C.
Identifiers: ClinVar variation 3058137 (VCV003058137.2), dbSNP rs2501755921, ClinGen allele CA2740097708.
Genomic context (GRCh38, chr14:20,452,157, plus strand): 5'-CACAGTACGGGCCACAACAGCCACAGAAACCAGTGGGGCACCCATGCCAGGGCCTAGGGA[G>C]ATAGAAATGGAAGTTATAATCCTAGAGATTGGAAAAAAACAATAGTGGGGGACATAAGGG-3'

ClinVar aggregate classification (germline): Likely benign (0 of 4 stars; one submission).

Conditions:
OSGEP-related disorder. Also called: OSGEP-related condition.

Submission:

PreventionGenetics, part of Exact Sciences
Classification: Likely benign for OSGEP-related condition. Last evaluated: 2022-02-09. Review status: no assertion criteria provided. Collection method: clinical testing. Allele origin: germline.
Comment: This variant is classified as likely benign based on ACMG/AMP sequence variant interpretation guidelines (Richards et al. 2015 PMID: 25741868, with internal and published modifications).